The following is an entry in ClinVar:

NM_171998.4(RAB39B):c.436G>A (p.Gly146Ser)

Gene: RAB39B (RAB39B, member RAS oncogene family; minus strand). Cytogenetic location: Xq28.
Variant type: single nucleotide variant.
Coding change: c.436G>A on transcript NM_171998.4 (MANE Select); coding-DNA position 436, G replaced by A.
Protein change: p.Gly146Ser; replaces glycine 146 with serine.
Molecular consequence: missense variant.
Genome position (GRCh38, 1-based): chrX:155,261,009, C>T on the plus strand (G>A on the coding strand, the complement: RAB39B is on the minus strand). VCF-style: chrX-155261009-C-T. GRCh37 (hg19) VCF-style: chrX-154490294-C-T.
Other names: short protein forms G146S.
Identifiers: ClinVar variation 2428875 (VCV002428875.3), dbSNP rs2074851805, ClinGen allele CA414924156.
Genomic context (GRCh38, chrX:155,261,009, plus strand): 5'-CTGTGAAGGCTTTCTCCACATTAATGGCATCTCGGGCTGACGTTTCAATGTACTTCATGC[C>T]GTATGCAGCAGCCAGTTTCTCGGCCTCGTGGCGAGTCACTTGCCTCTGTGTATCCAGGTC-3'
Protein context (NP_741995.1, residues 136-156): HEAEKLAAAY[Gly146Ser]MKYIETSARD

ClinVar aggregate classification (germline): Uncertain significance (1 of 4 stars; one submission).

Allele frequency attached by ClinVar (database versions not stated): gnomAD exomes below 0.00001; gnomAD 0.00001.
gnomAD v4.1: 2 of 1,209,841 alleles (0.00017%); highest among the groups gnomAD compares: Admixed American, 0.0022%; no homozygotes.

Submission:

GeneDx
Classification: Uncertain significance. Last evaluated: 2022-08-06. Review status: criteria provided, single submitter. Criteria: GeneDx Variant Classification Process June 2021. Collection method: clinical testing. Allele origin: germline. Affected: yes.
Comment: Not observed at significant frequency in large population cohorts (gnomAD); In silico analysis supports that this missense variant does not alter protein structure/function; Has not been previously published as pathogenic or benign to our knowledge